The following is an entry in ClinVar:

NM_001278293.3(ARL6):c.93G>A (p.Thr31=)

Gene: ARL6 (ARF like GTPase 6; plus strand). Cytogenetic location: 3q11.2.
Variant type: single nucleotide variant.
Coding change: c.93G>A on transcript NM_001278293.3 (MANE Select); coding-DNA position 93, G replaced by A.
Protein change: p.Thr31=; no amino-acid change (threonine 31 retained).
Molecular consequence: synonymous variant. On other transcripts: non-coding transcript variant (7).
Genome position (GRCh38, 1-based): chr3:97,768,200, G>A. VCF-style: chr3-97768200-G-A. GRCh37 (hg19) VCF-style: chr3-97487044-G-A.
Other names: c.93G>A, p.Thr31= (NM_001323513.2, NM_001323514.2, NM_032146.5 and 1 more transcripts).
Identifiers: ClinVar variation 1083441 (VCV001083441.11), dbSNP rs778479091, ClinGen allele CA2505849.

ClinVar aggregate classification (germline): Likely benign. Review status: criteria provided, multiple submitters, no conflicts (2 of 4 stars). 3 submissions from 3 submitters: Likely benign (2). 1 of the submissions does not count toward it. Last evaluated 2026-04-01.

Conditions:
ARL6-related disorder. Also called: ARL6-related condition.
Bardet-Biedl syndrome 3 (BBS3). Identifiers: Orphanet 110, MedGen C1859564, MONDO:0010832, OMIM 600151.
Retinitis pigmentosa 55 (RP55). Identifiers: Orphanet 791, MedGen C3150808, MONDO:0013312, OMIM 613575.

Allele frequency attached by ClinVar (database versions not stated): gnomAD exomes 0.00002 and 0.00004; TOPMed 0.00002; gnomAD 0.00003 and 0.00004; ExAC 0.00004.
gnomAD v4.1: 38 of 1,612,664 alleles (0.0024%); highest among the groups gnomAD compares: South Asian, 0.021%; no homozygotes.

Submissions (3):

CeGaT Center for Human Genetics Tuebingen
Classification: Likely benign. Last evaluated: 2026-04-01. Review status: criteria provided, single submitter. Criteria: CeGaT Center For Human Genetics Tuebingen Variant Classification Criteria Version 2. Collection method: clinical testing. Allele origin: germline. Affected: yes. Observed: 1 variant allele.
Comment: ARL6: BP4, BP7

Labcorp Genetics (formerly Invitae), Labcorp
Classification: Likely benign for Retinitis pigmentosa 55; Bardet-Biedl syndrome 3. Last evaluated: 2024-11-04. Review status: criteria provided, single submitter. Criteria: Invitae Variant Classification Sherloc (09022015). Collection method: clinical testing. Allele origin: germline.

PreventionGenetics, part of Exact Sciences
Classification: Likely benign for ARL6-related condition. Last evaluated: 2022-03-11. Review status: no assertion criteria provided. Collection method: clinical testing. Allele origin: germline. Not counted in ClinVar's aggregate classification.
Comment: This variant is classified as likely benign based on ACMG/AMP sequence variant interpretation guidelines (Richards et al. 2015 PMID: 25741868, with internal and published modifications).